The following is an entry in ClinVar:

NM_002292.4(LAMB2):c.5027G>T (p.Gly1676Val)

Gene: LAMB2 (laminin subunit beta 2; minus strand). Cytogenetic location: 3p21.31.
Variant type: single nucleotide variant.
Coding change: c.5027G>T on transcript NM_002292.4 (MANE Select); coding-DNA position 5027, G replaced by T.
Protein change: p.Gly1676Val; replaces glycine 1676 with valine.
Molecular consequence: missense variant.
Genome position (GRCh38, 1-based): chr3:49,121,757, C>A on the plus strand (G>T on the coding strand, the complement: LAMB2 is on the minus strand). VCF-style: chr3-49121757-C-A. GRCh37 (hg19) VCF-style: chr3-49159190-C-A.
Other names: short protein forms G1676V.
Identifiers: ClinVar variation 345974 (VCV000345974.14), dbSNP rs199580679, ClinGen allele CA2393625.

ClinVar aggregate classification (germline): Benign/Likely benign. Review status: criteria provided, multiple submitters, no conflicts (2 of 4 stars). 5 submissions from 4 submitters: Benign (3); Likely benign (1). 1 of the submissions does not count toward it. Last evaluated 2022-07-01.

Conditions:
LAMB2-related infantile-onset nephrotic syndrome. Also called: NEPHROTIC SYNDROME, TYPE 5, WITHOUT OCULAR ABNORMALITIES; NEPHROTIC SYNDROME, TYPE 5, WITH OCULAR ABNORMALITIES; Nephrotic Syndrome, type 5. Identifiers: Orphanet 306507, MedGen C3280113, MONDO:0013621, OMIM 614199.
Pierson syndrome. Also called: MICROCORIA-CONGENITAL NEPHROTIC SYNDROME. Identifiers: Orphanet 2670, MedGen C1836876, MONDO:0012184, OMIM 609049.

Allele frequency attached by ClinVar (database versions not stated): gnomAD 0.00002 and 0.00042; TOPMed 0.00006; gnomAD exomes 0.00145; ExAC 0.00166; 1000 Genomes Project 30x 0.00375; 1000 Genomes Project 0.00459.
gnomAD v4.1: 1,146 of 1,613,772 alleles (0.071%); highest among the groups gnomAD compares: South Asian, 1.2%; 14 homozygotes.

Submissions (5):

Labcorp Genetics (formerly Invitae), Labcorp
Classification: Benign for LAMB2-related infantile-onset nephrotic syndrome; Pierson syndrome. Last evaluated: 2022-07-01. Review status: criteria provided, single submitter. Criteria: Invitae Variant Classification Sherloc (09022015). Collection method: clinical testing. Allele origin: germline.

Illumina Laboratory Services, Illumina
Classification: Benign for LAMB2-related infantile-onset nephrotic syndrome. Last evaluated: 2018-01-13. Review status: criteria provided, single submitter. Criteria: ICSL Variant Classification Criteria 13 December 2019. Collection method: clinical testing. Allele origin: germline.
Comment: This variant was observed in the ICSL laboratory as part of a predisposition screen in an ostensibly healthy population. It had not been previously curated by ICSL or reported in the Human Gene Mutation Database (HGMD: prior to June 1st, 2018), and was therefore a candidate for classification through an automated scoring system. Utilizing variant allele frequency, disease prevalence and penetrance estimates, and inheritance mode, an automated score was calculated to assess if this variant is too frequent to cause the disease. Based on the score and internal cut-off values, a variant classified as benign is not then subjected to further curation. The score for this variant resulted in a classification of benign for this disease.

Illumina Laboratory Services, Illumina
Classification: Benign for Pierson syndrome. Last evaluated: 2018-01-13. Review status: criteria provided, single submitter. Criteria: ICSL Variant Classification Criteria 13 December 2019. Collection method: clinical testing. Allele origin: germline.
Comment: the same text as in the submission from Illumina Laboratory Services, Illumina above.

Athena Diagnostics
Classification: Likely benign. Last evaluated: 2017-01-31. Review status: criteria provided, single submitter. Criteria: Athena Diagnostics Criteria. Collection method: clinical testing. Allele origin: germline.

Bioscientia Institut fuer Medizinische Diagnostik GmbH, Sonic Healthcare
Classification: Benign for LAMB2-related infantile-onset nephrotic syndrome. Last evaluated: 2019-04-30. Review status: no assertion criteria provided. Collection method: clinical testing. Allele origin: germline. Affected: yes. Not counted in ClinVar's aggregate classification.

Literature cited by the submitters: PubMed 23349334 (cited by Athena Diagnostics).